The following is an entry in ClinVar:

NM_000381.4(MID1):c.1819del (p.Leu607fs)

Genes: MID1 (midline 1; minus strand), LOC126863207 (BRD4-independent group 4 enhancer GRCh37_chrX:10416979-10418178; plus strand). Cytogenetic location: Xp22.2.
Variant type: Deletion.
Coding change: c.1819del on transcript NM_000381.4 (MANE Select); coding-DNA position 1819, one base deleted (C; older notation c.1819delC).
Protein change: p.Leu607fs; shifts the reading frame from leucine 607.
Molecular consequence: frameshift variant.
Genome position (GRCh38, 1-based): chrX:10,449,553, G deleted on the plus strand (C on the coding strand, the reverse complement: MID1 is on the minus strand); the first of 2 consecutive G bases (chrX:10,449,553-10,449,554); deleting either gives the same sequence. VCF-style (leftmost placement, unchanged base first): chrX-10449552-AG-A. GRCh37 (hg19) VCF-style: chrX-10417592-AG-A.
Other names: c.1819del, p.Leu607fs (NM_001098624.2, NM_001193277.1, NM_001347733.2 and 1 more transcripts); c.1705del, p.Leu569fs (NM_033289.2); short protein forms L569fs, L607fs.
Identifiers: ClinVar variation 1809772 (VCV001809772.1), dbSNP rs2518959749, ClinGen allele CA2580100003.

ClinVar aggregate classification (germline): Pathogenic (1 of 4 stars; one submission).

Submission:

Athena Diagnostics
Classification: Pathogenic. Last evaluated: 2020-05-21. Review status: criteria provided, single submitter. Criteria: Athena Diagnostics Criteria. Collection method: clinical testing. Allele origin: unknown.
Comment: This variant causes a shift in the reading frame and is expected to result in the loss of a functional protein. This variant has not been reported in large, multi-ethnic general populations. This observation is not an independent occurrence and has been identified in the same individual by RCIGM, the other laboratory participating in the GEMINI study.